The following is an entry in ClinVar:

ClinVar aggregate classification (germline): Uncertain significance (1 of 4 stars; one submission).

Conditions:
Mitochondrial DNA depletion syndrome 13. Also called: FBXL4-Related Encephalomyopathic Mitochondrial DNA Depletion Syndrome; Mitochondrial DNA depletion syndrome 13 (encephalomyopathic type). Identifiers: Orphanet 369897, MedGen C3809592, MONDO:0014198, OMIM 615471.

Allele frequency attached by ClinVar (database versions not stated): TOPMed below 0.00001; ExAC 0.00001; gnomAD 0.00001; gnomAD exomes below 0.00001.
gnomAD v4.1: 2 of 1,614,038 alleles (0.00012%); highest among the groups gnomAD compares: African/African-American, 0.0027%; no homozygotes.

Submission:

Wong Mito Lab, Molecular and Human Genetics, Baylor College of Medicine
Classification: Uncertain significance for Mitochondrial DNA depletion syndrome 13. Last evaluated: 2017-08-10. Review status: criteria provided, single submitter. Criteria: ACMG Guidelines, 2015. Collection method: reference population. Allele origin: germline.
Comment: The NM_012160.4:c.194A>G (NP_036292.2:p.Tyr65Cys) [GRCH38: NC_000006.12:g.98926795T>C] variant in FBXL4 gene is interpretated to be a Uncertain Significance - Insufficient Evidence based on ACMG guidelines (PMID: 25741868). This variant meets one or more of the following evidence codes reported in the ACMG-guideline. PM2:This variant is absent in key population databases. PP3:Computational evidence/predictors indicate the variant has deleterious effect on FBXL4 structure, function, or protein-protein interaction. Based on this evidence code ClinGen Pathogenicity Calculator (PMID:28081714) suggested that the variant is Uncertain Significance - Insufficient Evidence.

NM_001278716.2(FBXL4):c.194A>G (p.Tyr65Cys)

Gene: FBXL4 (F-box and leucine rich repeat protein 4; minus strand). Cytogenetic location: 6q16.2.
Variant type: single nucleotide variant.
Coding change: c.194A>G on transcript NM_001278716.2 (MANE Select); coding-DNA position 194, A replaced by G.
Protein change: p.Tyr65Cys; replaces tyrosine 65 with cysteine.
Molecular consequence: missense variant. On other transcripts: non-coding transcript variant (2).
Genome position (GRCh38, 1-based): chr6:98,926,795, T>C on the plus strand (A>G on the coding strand, the complement: FBXL4 is on the minus strand). VCF-style: chr6-98926795-T-C. GRCh37 (hg19) VCF-style: chr6-99374671-T-C.
Other names: c.194A>G, p.Tyr65Cys (NM_012160.5); short protein forms Y65C.
Identifiers: ClinVar variation 437549 (VCV000437549.1), dbSNP rs769971096, ClinGen allele CA3933722.